The following is an entry in ClinVar:

ClinVar aggregate classification (germline): Uncertain significance (1 of 4 stars; one submission).

Submission:

Ambry Genetics
Classification: Uncertain significance. Last evaluated: 2024-08-22. Review status: criteria provided, single submitter. Criteria: Ambry Variant Classification Scheme 2023. Collection method: clinical testing. Allele origin: germline.
Comment: The p.I1287L variant (also known as c.3859A>C), located in coding exon 35 of the KIF1B gene, results from an A to C substitution at nucleotide position 3859. The isoleucine at codon 1287 is replaced by leucine, an amino acid with highly similar properties. This amino acid position is conserved. In addition, this alteration is predicted to be tolerated by in silico analysis. Based on the available evidence, the clinical significance of this variant remains unclear.

NM_001365951.3(KIF1B):c.3997A>C (p.Ile1333Leu)

Gene: KIF1B (kinesin family member 1B; plus strand). Cytogenetic location: 1p36.22.
Variant type: single nucleotide variant.
Coding change: c.3997A>C on transcript NM_001365951.3 (MANE Select); coding-DNA position 3997, A replaced by C.
Protein change: p.Ile1333Leu; replaces isoleucine 1333 with leucine.
Molecular consequence: missense variant.
Genome position (GRCh38, 1-based): chr1:10,352,678, A>C. VCF-style: chr1-10352678-A-C. GRCh37 (hg19) VCF-style: chr1-10412736-A-C.
Other names: c.3997A>C, p.Ile1333Leu (NM_001365952.1); c.3859A>C, p.Ile1287Leu (NM_015074.3); short protein forms I1287L, I1333L.
Identifiers: ClinVar variation 3533988 (VCV003533988.1).
Genomic context (GRCh38, chr1:10,352,678, plus strand): 5'-TCCTTTCTTTTAGGTCGTATTCGGAATAAGCCTGAGGTGGATGAAGCTGCAGTTGATGCC[A>C]TCCTCTCCCTAAATATTATTTCTGCCAAGTACCTGAAGTCTTCCCACAACTCTAGCAGGT-3'
Protein context (NP_001352880.1, residues 1323-1343): PEVDEAAVDA[Ile1333Leu]LSLNIISAKY